The following is an entry in ClinVar:

NM_001130004.2(ACTN1):c.1181A>G (p.His394Arg)

Gene: ACTN1 (actinin alpha 1; minus strand). Cytogenetic location: 14q24.1.
Variant type: single nucleotide variant.
Coding change: c.1181A>G on transcript NM_001130004.2 (MANE Select); coding-DNA position 1181, A replaced by G.
Protein change: p.His394Arg; replaces histidine 394 with arginine.
Molecular consequence: missense variant.
Genome position (GRCh38, 1-based): chr14:68,890,192, T>C on the plus strand (A>G on the coding strand, the complement: ACTN1 is on the minus strand). VCF-style: chr14-68890192-T-C. GRCh37 (hg19) VCF-style: chr14-69356909-T-C.
Other names: c.1181A>G, p.His394Arg (NM_001102.4, NM_001130005.2); short protein forms H394R.
Identifiers: ClinVar variation 627217 (VCV000627217.3), dbSNP rs1594768482, ClinGen allele CA390187183.

ClinVar aggregate classification (germline): Conflicting classifications of pathogenicity. Review status: criteria provided, conflicting classifications (1 of 4 stars). 2 submissions from 2 submitters: Pathogenic (1); Uncertain significance (1). Last evaluated 2019-02-01.

Conditions:
Macrothrombocytopenia. Identifiers: MedGen C2751260, HP:0040185.
Platelet-type bleeding disorder 15 (BDPLT15). Also called: MACROTHROMBOCYTOPENIA, AUTOSOMAL DOMINANT, ACTN1-RELATED. Identifiers: Orphanet 140957, MedGen C3554663, MONDO:0014078, OMIM 615193.

Allele frequency attached by ClinVar (database versions not stated): TOPMed below 0.00001.

Submissions (2):

NIHR Bioresource Rare Diseases, University of Cambridge
Classification: Uncertain significance for Macrothrombocytopenia. Last evaluated: 2019-02-01. Review status: criteria provided, single submitter. Criteria: ACMG Guidelines, 2015. Collection method: research. Allele origin: unknown. Affected: yes. Observed: 1 heterozygote. Study: ThromboGenomics.

ISTH-SSC Genomics in Thrombosis and Hemostasis, KU Leuven, Center for Molecular and Vascular Biology
Classification: Pathogenic for Platelet-type bleeding disorder 15. Review status: criteria provided, single submitter. Criteria: ACMG Guidelines, 2015. Collection method: clinical testing. Allele origin: germline. Affected: yes. Observed: 1 heterozygote.
Comment: Submitted to GoldVariant by Jose María Bastida and José Rivera; Grupo Español de Alteraciones Plaquetarias Congénitas (GEAPC)

Literature cited by the submitters: PubMed 31064749 (cited by NIHR Bioresource Rare Diseases, University of Cambridge and ISTH-SSC Genomics in Thrombosis and Hemostasis, KU Leuven, Center for Molecular and Vascular Biology).